The following is an entry in ClinVar:

ClinVar aggregate classification (germline): Uncertain significance (1 of 4 stars; one submission).

Conditions:
Amelocerebrohypohidrotic syndrome (KTZS). Also called: KOHLSCHUTTER SYNDROME; EPILEPSY AND YELLOW TEETH; EPILEPSY, DEMENTIA, AND AMELOGENESIS IMPERFECTA; Kohlschutter's syndrome. Identifiers: Orphanet 1946, MedGen C0406740, MONDO:0009185, OMIM 226750.

Allele frequency attached by ClinVar (database versions not stated): TOPMed below 0.00001.
gnomAD v4.1: 2 of 1,613,878 alleles (0.00012%); highest among the groups gnomAD compares: Non-Finnish European, 0.00017%; no homozygotes.

Submission:

Labcorp Genetics (formerly Invitae), Labcorp
Classification: Uncertain significance for Amelocerebrohypohidrotic syndrome. Last evaluated: 2020-10-21. Review status: criteria provided, single submitter. Criteria: Invitae Variant Classification Sherloc (09022015). Collection method: clinical testing. Allele origin: germline.
Comment: In summary, the available evidence is currently insufficient to determine the role of this variant in disease. Therefore, it has been classified as a Variant of Uncertain Significance. Algorithms developed to predict the effect of sequence changes on RNA splicing suggest that this variant may create or strengthen a splice site, but this prediction has not been confirmed by published transcriptional studies. Algorithms developed to predict the effect of missense changes on protein structure and function (SIFT, PolyPhen-2, Align-GVGD) all suggest that this variant is likely to be tolerated, but these predictions have not been confirmed by published functional studies and their clinical significance is uncertain. This variant has not been reported in the literature in individuals with ROGDI-related conditions. This variant is not present in population databases (ExAC no frequency). This sequence change replaces asparagine with serine at codon 197 of the ROGDI protein (p.Asn197Ser). The asparagine residue is moderately conserved and there is a small physicochemical difference between asparagine and serine.

NM_024589.3(ROGDI):c.590A>G (p.Asn197Ser)

Gene: ROGDI (rogdi atypical leucine zipper; minus strand). Cytogenetic location: 16p13.3.
Variant type: single nucleotide variant.
Coding change: c.590A>G on transcript NM_024589.3 (MANE Select); coding-DNA position 590, A replaced by G.
Protein change: p.Asn197Ser; replaces asparagine 197 with serine.
Molecular consequence: missense variant. On other transcripts: non-coding transcript variant (1).
Genome position (GRCh38, 1-based): chr16:4,798,126, T>C on the plus strand (A>G on the coding strand, the complement: ROGDI is on the minus strand). VCF-style: chr16-4798126-T-C. GRCh37 (hg19) VCF-style: chr16-4848127-T-C.
Other names: short protein forms N197S.
Identifiers: ClinVar variation 1026302 (VCV001026302.6), dbSNP rs1567598164, ClinGen allele CA394650296.
Genomic context (GRCh38, chr16:4,798,126, plus strand): 5'-CTCACCTTGGTGGAGTTGGGCTGCAGGGCATGCAGCTGGTACACCGTGAGGCAGAGCTTG[T>C]TGAGGTTGATGTAGACGTTGACCAGCAGGTCGGACGGCAGGGCAGGGGCGAACATCCGCT-3'
Protein context (NP_078865.1, residues 187-207): DLLVNVYINL[Asn197Ser]KLCLTVYQLH